The following is an entry in ClinVar:

ClinVar aggregate classification (germline): Likely pathogenic (0 of 4 stars; one submission).

Conditions:
GTP cyclohydrolase I deficiency with hyperphenylalaninemia (HPABH4B). Also called: Hyperphenylalaninemia, tetrahydrobiopterin-deficient, due to GTP cyclohydrolase 1 deficiency; HYPERPHENYLALANINEMIA, BH4-DEFICIENT, B; HYPERPHENYLALANINEMIA, TETRAHYDROBIOPTERIN-DEFICIENT, DUE TO GTP CYCLOHYDROLASE I DEFICIENCY. Identifiers: Orphanet 2102, Orphanet 238583, MedGen CN305333, MONDO:0100186, OMIM 233910.

Submission:

Neonatal Disease Screening Center, Medical Genetics Center, Huaihua City Maternal and Child Health Care Hospital
Classification: Likely pathogenic for GTP cyclohydrolase I deficiency with hyperphenylalaninemia. Review status: no assertion criteria provided. Criteria: ACMG Guidelines, 2015. Collection method: clinical testing. Allele origin: germline. Affected: yes. Observed: 1 variant allele.
Comment: PM2+PM3+PP3+PP4

NM_000317.3(PTS):c.108C>A (p.Asn36Lys)

Gene: PTS (6-pyruvoyltetrahydropterin synthase; plus strand). Cytogenetic location: 11q23.1.
Variant type: single nucleotide variant.
Coding change: c.108C>A on transcript NM_000317.3 (MANE Select); coding-DNA position 108, C replaced by A.
Protein change: p.Asn36Lys; replaces asparagine 36 with lysine.
Molecular consequence: missense variant.
Genome position (GRCh38, 1-based): chr11:112,228,618, C>A. VCF-style: chr11-112228618-C-A. GRCh37 (hg19) VCF-style: chr11-112099341-C-A.
Other names: short protein forms N36K.
Identifiers: ClinVar variation 3061790 (VCV003061790.2), dbSNP rs1449216377, ClinGen allele CA382627000.